The following is an entry in ClinVar:

NM_001204.7(BMPR2):c.1862C>A (p.Thr621Lys)

Gene: BMPR2 (bone morphogenetic protein receptor type 2; plus strand). Cytogenetic location: 2q33.2.
Variant type: single nucleotide variant.
Coding change: c.1862C>A on transcript NM_001204.7 (MANE Select); coding-DNA position 1862, C replaced by A.
Protein change: p.Thr621Lys; replaces threonine 621 with lysine.
Molecular consequence: missense variant.
Genome position (GRCh38, 1-based): chr2:202,555,527, C>A. VCF-style: chr2-202555527-C-A. GRCh37 (hg19) VCF-style: chr2-203420250-C-A.
Other names: c.1862C>A (LRG_712t1); short protein forms T621K.
Identifiers: ClinVar variation 333646 (VCV000333646.7), dbSNP rs147943794, ClinGen allele CA2061460.

ClinVar aggregate classification (germline): Conflicting classifications of pathogenicity. Review status: criteria provided, conflicting classifications (1 of 4 stars). 2 submissions from 2 submitters: Uncertain significance (1); Likely benign (1). Last evaluated 2025-10-29.

Conditions:
Inborn genetic diseases. Identifiers: MedGen C0950123, MeSH D030342.
Pulmonary hypertension, primary, 1 (PPH1). Also called: Pulmonary hypertension, familial primary, 1, with or without HHT. Identifiers: Orphanet 422, MedGen C4552070, MONDO:0024533, OMIM 178600.

Allele frequency attached by ClinVar (database versions not stated): TOPMed 0.00004.
gnomAD v4.1: 56 of 1,614,034 alleles (0.0035%); highest among the groups gnomAD compares: Admixed American, 0.0083%; no homozygotes.

Submissions (2):

Ambry Genetics
Classification: Uncertain significance for Inborn genetic diseases. Last evaluated: 2025-10-29. Review status: criteria provided, single submitter. Criteria: Ambry Variant Classification Scheme 2023. Collection method: clinical testing. Allele origin: germline.

Illumina Laboratory Services, Illumina
Classification: Likely benign for Pulmonary hypertension, primary, 1. Last evaluated: 2018-01-13. Review status: criteria provided, single submitter. Criteria: ICSL Variant Classification Criteria 13 December 2019. Collection method: clinical testing. Allele origin: germline.
Comment: This variant was observed in the ICSL laboratory as part of a predisposition screen in an ostensibly healthy population. It had not been previously curated by ICSL or reported in the Human Gene Mutation Database (HGMD: prior to June 1st, 2018), and was therefore a candidate for classification through an automated scoring system. Utilizing variant allele frequency, disease prevalence and penetrance estimates, and inheritance mode, an automated score was calculated to assess if this variant is too frequent to cause the disease. Based on the score and internal cut-off values, a variant classified as likely benign is not then subjected to further curation. The score for this variant resulted in a classification of likely benign for this disease.